The following is an entry in ClinVar:

ClinVar aggregate classification (germline): Uncertain significance (1 of 4 stars; one submission).

Conditions:
Hypertrophic cardiomyopathy. Also called: HYPERTROPHIC MYOCARDIOPATHY. Identifiers: Orphanet 217569, MedGen C0007194, MeSH D002312, MONDO:0005045, HP:0001639.

Submission:

Labcorp Genetics (formerly Invitae), Labcorp
Classification: Uncertain significance for Hypertrophic cardiomyopathy. Last evaluated: 2025-08-25. Review status: criteria provided, single submitter. Criteria: Invitae Variant Classification Sherloc (09022015). Collection method: clinical testing. Allele origin: germline.
Comment: This sequence change replaces glutamine, which is neutral and polar, with lysine, which is basic and polar, at codon 1309 of the MYOM1 protein (p.Gln1309Lys). This variant is not present in population databases (gnomAD no frequency). This variant has not been reported in the literature in individuals affected with MYOM1-related conditions. Invitae Evidence Modeling of protein sequence and biophysical properties (such as structural, functional, and spatial information, amino acid conservation, physicochemical variation, residue mobility, and thermodynamic stability) indicates that this missense variant is not expected to disrupt MYOM1 protein function with a negative predictive value of 80%. In summary, the available evidence is currently insufficient to determine the role of this variant in disease. Therefore, it has been classified as a Variant of Uncertain Significance.

NM_003803.4(MYOM1):c.3925C>A (p.Gln1309Lys)

Gene: MYOM1 (myomesin 1; minus strand). Cytogenetic location: 18p11.31.
Variant type: single nucleotide variant.
Coding change: c.3925C>A on transcript NM_003803.4 (MANE Select); coding-DNA position 3925, C replaced by A.
Protein change: p.Gln1309Lys; replaces glutamine 1309 with lysine.
Molecular consequence: missense variant.
Genome position (GRCh38, 1-based): chr18:3,090,742, G>T on the plus strand (C>A on the coding strand, the complement: MYOM1 is on the minus strand). VCF-style: chr18-3090742-G-T. GRCh37 (hg19) VCF-style: chr18-3090740-G-T.
Other names: c.3637C>A, p.Gln1213Lys (NM_019856.2); short protein forms Q1309K, Q1213K.
Identifiers: ClinVar variation 4741912 (VCV004741912.1).
Genomic context (GRCh38, chr18:3,090,742, plus strand): 5'-AATGGTTAGTTGCTTTTCCATCTTGAAGCTGGAAAGTGTACGTTCCCTCATCCTCATCCT[G>T]TAGCTTTTCCATGAACATTTCGATGATGCCAGTGTTTCGGTCAATATGCATTTTATATTT-3'
Protein context (NP_003794.3, residues 1299-1319): GIIEMFMEKL[Gln1309Lys]DEDEGTYTFQ